The following is an entry in ClinVar:

NM_019066.5(MAGEL2):c.1871C>T (p.Thr624Ile)

Gene: MAGEL2 (MAGE family member L2; minus strand). Cytogenetic location: 15q11.2.
Variant type: single nucleotide variant.
Coding change: c.1871C>T on transcript NM_019066.5 (MANE Select); coding-DNA position 1871, C replaced by T.
Protein change: p.Thr624Ile; replaces threonine 624 with isoleucine.
Molecular consequence: missense variant.
Genome position (GRCh38, 1-based): chr15:23,645,872, G>A on the plus strand (C>T on the coding strand, the complement: MAGEL2 is on the minus strand). VCF-style: chr15-23645872-G-A. GRCh37 (hg19) VCF-style: chr15-23891019-G-A.
Other names: short protein forms T624I.
Identifiers: ClinVar variation 1710675 (VCV001710675.4), dbSNP rs1289234974, ClinGen allele CA391333147.

ClinVar aggregate classification (germline): Uncertain significance. Review status: criteria provided, multiple submitters, no conflicts (2 of 4 stars). 3 submissions from 3 submitters: Uncertain significance (3). Last evaluated 2026-05-26.

Conditions:
MAGEL2-related disorder. Also called: MAGEL2-related condition.

Allele frequency attached by ClinVar (database versions not stated): gnomAD exomes below 0.00001.

Submissions (3):

PreventionGenetics, part of Exact Sciences
Classification: Uncertain significance for MAGEL2-related condition. Last evaluated: 2026-05-26. Review status: criteria provided, single submitter. Criteria: ACMG Guidelines, 2015. Collection method: clinical testing. Allele origin: germline.
Comment: The MAGEL2 c.1871C>T variant is predicted to result in the amino acid substitution p.Thr624Ile. To our knowledge, this variant has not been reported in the literature. This variant is reported in 0.0073% of alleles in individuals of East Asian descent in gnomAD. At this time, the clinical significance of this variant is uncertain due to the absence of conclusive functional and genetic evidence.

Labcorp Genetics (formerly Invitae), Labcorp
Classification: Uncertain significance. Last evaluated: 2025-05-21. Review status: criteria provided, single submitter. Criteria: Invitae Variant Classification Sherloc (09022015). Collection method: clinical testing. Allele origin: germline.
Comment: This sequence change replaces threonine, which is neutral and polar, with isoleucine, which is neutral and non-polar, at codon 624 of the MAGEL2 protein (p.Thr624Ile). The frequency data for this variant in the population databases is considered unreliable, as metrics indicate poor data quality at this position in the gnomAD database. This variant has not been reported in the literature in individuals affected with MAGEL2-related conditions. ClinVar contains an entry for this variant (Variation ID: 1710675). Invitae Evidence Modeling of protein sequence and biophysical properties (such as structural, functional, and spatial information, amino acid conservation, physicochemical variation, residue mobility, and thermodynamic stability) indicates that this missense variant is not expected to disrupt MAGEL2 protein function with a negative predictive value of 80%. In summary, the available evidence is currently insufficient to determine the role of this variant in disease. Therefore, it has been classified as a Variant of Uncertain Significance.

GeneDx
Classification: Uncertain significance. Last evaluated: 2022-04-09. Review status: criteria provided, single submitter. Criteria: GeneDx Variant Classification Process June 2021. Collection method: clinical testing. Allele origin: germline. Affected: yes.
Comment: Not observed at significant frequency in large population cohorts (gnomAD); In silico analysis supports that this missense variant does not alter protein structure/function; Has not been previously published as pathogenic or benign to our knowledge